The following is an entry in ClinVar:

ClinVar aggregate classification (germline): Benign/Likely benign. Review status: criteria provided, multiple submitters, no conflicts (2 of 4 stars). 6 submissions from 2 submitters: Benign (4); Likely benign (2). Last evaluated 2019-05-26.

Conditions:
Beare-Stevenson cutis gyrata syndrome (BSTVS). Identifiers: Orphanet 1555, MedGen C1852406, MONDO:0007412, OMIM 123790.
Isolated Coronal Synostosis. Identifiers: MedGen CN043619.
Craniosynostosis syndrome. Also called: Craniosynostosis. Identifiers: Orphanet 1531, MedGen C0010278, MeSH D003398, MONDO:0015469, HP:0001363.
Crouzon syndrome. Also called: Craniofacial dysostosis type 1; Crouzon craniofacial dysostosis; Crouzon disease; Craniofacial dysostosis; CRANIOFACIAL DYSOSTOSIS, TYPE I. Identifiers: Orphanet 207, MedGen C0010273, MeSH D003394, MONDO:0007405, OMIM 123500, HP:0004439.
Saethre-Chotzen syndrome (SCS). Also called: ACROCEPHALY, SKULL ASYMMETRY, AND MILD SYNDACTYLY; ACS III; CHOTZEN SYNDROME. Identifiers: Orphanet 794, MedGen C0175699, MONDO:0007042, OMIM 101400.

Allele frequency attached by ClinVar (database versions not stated): gnomAD 0.00130 and 0.00131; ExAC 0.00165; TOPMed 0.00177; 1000 Genomes Project 0.00200; gnomAD exomes 0.00212; 1000 Genomes Project 30x 0.00265.

Submissions (6):

GeneDx
Classification: Likely benign. Last evaluated: 2019-05-26. Review status: criteria provided, single submitter. Criteria: GeneDx Variant Classification Process June 2021. Collection method: clinical testing. Allele origin: germline. Affected: yes.

Illumina Laboratory Services, Illumina
Classification: Benign for Beare-Stevenson cutis gyrata syndrome. Last evaluated: 2018-01-12. Review status: criteria provided, single submitter. Criteria: ICSL Variant Classification Criteria 13 December 2019. Collection method: clinical testing. Allele origin: germline.
Comment: This variant was observed in the ICSL laboratory as part of a predisposition screen in an ostensibly healthy population. It had not been previously curated by ICSL or reported in the Human Gene Mutation Database (HGMD: prior to June 1st, 2018), and was therefore a candidate for classification through an automated scoring system. Utilizing variant allele frequency, disease prevalence and penetrance estimates, and inheritance mode, an automated score was calculated to assess if this variant is too frequent to cause the disease. Based on the score and internal cut-off values, a variant classified as benign is not then subjected to further curation. The score for this variant resulted in a classification of benign for this disease.

Illumina Laboratory Services, Illumina
Classification: Likely benign for Isolated coronal synostosis. Last evaluated: 2018-01-12. Review status: criteria provided, single submitter. Criteria: ICSL Variant Classification Criteria 13 December 2019. Collection method: clinical testing. Allele origin: germline.
Comment: This variant was observed in the ICSL laboratory as part of a predisposition screen in an ostensibly healthy population. It had not been previously curated by ICSL or reported in the Human Gene Mutation Database (HGMD: prior to June 1st, 2018), and was therefore a candidate for classification through an automated scoring system. Utilizing variant allele frequency, disease prevalence and penetrance estimates, and inheritance mode, an automated score was calculated to assess if this variant is too frequent to cause the disease. Based on the score and internal cut-off values, a variant classified as likely benign is not then subjected to further curation. The score for this variant resulted in a classification of likely benign for this disease.

Illumina Laboratory Services, Illumina
Classification: Benign for Crouzon syndrome. Last evaluated: 2018-01-12. Review status: criteria provided, single submitter. Criteria: ICSL Variant Classification Criteria 13 December 2019. Collection method: clinical testing. Allele origin: germline.
Comment: the same text as in the submission from Illumina Laboratory Services, Illumina above.

Illumina Laboratory Services, Illumina
Classification: Benign for Craniosynostosis. Last evaluated: 2018-01-12. Review status: criteria provided, single submitter. Criteria: ICSL Variant Classification Criteria 13 December 2019. Collection method: clinical testing. Allele origin: germline.
Comment: the same text as in the submission from Illumina Laboratory Services, Illumina above.

Illumina Laboratory Services, Illumina
Classification: Benign for Saethre-Chotzen syndrome. Last evaluated: 2018-01-12. Review status: criteria provided, single submitter. Criteria: ICSL Variant Classification Criteria 13 December 2019. Collection method: clinical testing. Allele origin: germline.
Comment: the same text as in the submission from Illumina Laboratory Services, Illumina above.

NM_000141.5(FGFR2):c.-61G>T

Gene: FGFR2 (fibroblast growth factor receptor 2; minus strand). Cytogenetic location: 10q26.13.
Variant type: single nucleotide variant.
Coding change: c.-61G>T on transcript NM_000141.5 (MANE Select); 61 bases upstream of the start codon, G replaced by T.
Molecular consequence: 5 prime UTR variant. On other transcripts: non-coding transcript variant (1).
Genome position (GRCh38, 1-based): chr10:121,593,878, C>A on the plus strand (G>T on the coding strand, the complement: FGFR2 is on the minus strand). VCF-style: chr10-121593878-C-A. GRCh37 (hg19) VCF-style: chr10-123353392-C-A.
Other names: c.-61G>T (NM_001144913.1, NM_001144914.1, NM_001144915.2 and 7 more transcripts).
Identifiers: ClinVar variation 879439 (VCV000879439.7), dbSNP rs3135721, ClinGen allele CA5721271.
Genomic context (GRCh38, chr10:121,593,878, plus strand): 5'-GGTTACGGTACCAATCCCCGGTCCTCTTCCATATCTCCATGTGGACGTTAATCCCATCTG[C>A]ACACTTCCTCTACGGGCATGGACTACGCGCAATGCCTTCAGCCTGCGGTGGGCTCAGGAA-3'